The following is an entry in ClinVar:

ClinVar aggregate classification (germline): Uncertain significance (1 of 4 stars; one submission).

Allele frequency attached by ClinVar (database versions not stated): gnomAD exomes below 0.00001.
gnomAD v4.1: 1 of 1,614,064 alleles (0.000062%); highest among the groups gnomAD compares: Non-Finnish European, 0.000085%; no homozygotes.

Submission:

Labcorp Genetics (formerly Invitae), Labcorp
Classification: Uncertain significance. Last evaluated: 2022-11-15. Review status: criteria provided, single submitter. Criteria: Invitae Variant Classification Sherloc (09022015). Collection method: clinical testing. Allele origin: germline.
Comment: ClinVar contains an entry for this variant (Variation ID: 950639). This sequence change falls in intron 34 of the SZT2 gene. It does not directly change the encoded amino acid sequence of the SZT2 protein. It affects a nucleotide within the consensus splice site. This variant is not present in population databases (gnomAD no frequency). This variant has not been reported in the literature in individuals affected with SZT2-related conditions. Variants that disrupt the consensus splice site are a relatively common cause of aberrant splicing (PMID: 17576681, 9536098). Algorithms developed to predict the effect of sequence changes on RNA splicing suggest that this variant is not likely to affect RNA splicing. In summary, the available evidence is currently insufficient to determine the role of this variant in disease. Therefore, it has been classified as a Variant of Uncertain Significance.

Literature cited by the submitters: PubMed 17576681; PubMed 9536098.

NM_001365999.1(SZT2):c.5088+4A>C

Gene: SZT2 (SZT2 subunit of KICSTOR complex; plus strand). Cytogenetic location: 1p34.2.
Variant type: single nucleotide variant.
Coding change: c.5088+4A>C on transcript NM_001365999.1 (MANE Select); 4 bases into the intron after coding-DNA position 5088, A replaced by C.
Molecular consequence: intron variant.
Genome position (GRCh38, 1-based): chr1:43,431,527, A>C. VCF-style: chr1-43431527-A-C. GRCh37 (hg19) VCF-style: chr1-43897198-A-C.
Other names: c.4917+4A>C (NM_015284.4).
Identifiers: ClinVar variation 950639 (VCV000950639.7), dbSNP rs1653875743, ClinGen allele CA1139656093.